The following is an entry in ClinVar:

NM_019888.3(MC3R):c.580A>C (p.Thr194Pro)

Gene: MC3R (melanocortin 3 receptor; plus strand). Cytogenetic location: 20q13.2.
Variant type: single nucleotide variant.
Coding change: c.580A>C on transcript NM_019888.3 (MANE Select); coding-DNA position 580, A replaced by C.
Protein change: p.Thr194Pro; replaces threonine 194 with proline.
Molecular consequence: missense variant.
Genome position (GRCh38, 1-based): chr20:56,249,423, A>C. VCF-style: chr20-56249423-A-C. GRCh37 (hg19) VCF-style: chr20-54824479-A-C.
Other names: short protein forms T194P.
Identifiers: ClinVar variation 3344068 (VCV003344068.1).

ClinVar aggregate classification (germline): Uncertain significance (0 of 4 stars; one submission).

Conditions:
MC3R-related disorder. Also called: MC3R-related condition.

Submission:

PreventionGenetics, part of Exact Sciences
Classification: Uncertain significance for MC3R-related condition. Last evaluated: 2024-05-18. Review status: no assertion criteria provided. Collection method: clinical testing. Allele origin: germline.
Comment: The MC3R c.580A>C variant is predicted to result in the amino acid substitution p.Thr194Pro. To our knowledge, this variant has not been reported in the literature. This variant is reported in 0.0062% of alleles in individuals of African descent in gnomAD. At this time, the clinical significance of this variant is uncertain due to the absence of conclusive functional and genetic evidence.